The following is an entry in ClinVar:

ClinVar aggregate classification (germline): Uncertain significance. Review status: criteria provided, multiple submitters, no conflicts (2 of 4 stars). 2 submissions from 2 submitters: Uncertain significance (2). Last evaluated 2026-03-03.

Conditions:
Joubert syndrome 5 (JBTS5). Identifiers: Orphanet 2318, MedGen C1857780, MONDO:0012432, OMIM 610188.
Bardet-Biedl syndrome 14 (BBS14). Identifiers: Orphanet 110, MedGen C2673874, MONDO:0014442, OMIM 615991.
Leber congenital amaurosis 10 (LCA10). Identifiers: Orphanet 65, MedGen C1857821, MONDO:0012723, OMIM 611755.
Senior-Loken syndrome 6 (SLSN6). Identifiers: Orphanet 3156, MedGen C1857779, MONDO:0012433, OMIM 610189.
Meckel syndrome, type 4 (MKS4). Also called: MECKEL-GRUBER SYNDROME, TYPE 4. Identifiers: Orphanet 564, MedGen C1970161, MONDO:0012626, OMIM 611134.
CEP290-related disorder. Also called: CEP290-related condition; CEP290-related disorders. Identifiers: MedGen CN239314.

gnomAD v4.1: 2 of 1,562,212 alleles (0.00013%); highest among the groups gnomAD compares: Non-Finnish European, 0.00017%; no homozygotes.

Submissions (2):

PreventionGenetics, part of Exact Sciences
Classification: Uncertain significance for CEP290-related condition. Last evaluated: 2026-03-03. Review status: criteria provided, single submitter. Criteria: ACMG Guidelines, 2015. Collection method: clinical testing. Allele origin: germline.
Comment: The CEP290 c.6146T>C variant is predicted to result in the amino acid substitution p.Ile2049Thr. To our knowledge, this variant has not been reported in the literature or in a large population database (gnomAD), indicating this variant is rare. At this time, the clinical significance of this variant is uncertain due to the absence of conclusive functional and genetic evidence.

Fulgent Genetics
Classification: Uncertain significance for Joubert syndrome 5; Senior-Loken syndrome 6; Meckel syndrome, type 4; Leber congenital amaurosis 10; Bardet-Biedl syndrome 14. Last evaluated: 2024-04-16. Review status: criteria provided, single submitter. Criteria: ACMG Guidelines, 2015. Collection method: clinical testing. Allele origin: germline.

NM_025114.4(CEP290):c.6146T>C (p.Ile2049Thr)

Gene: CEP290 (centrosomal protein 290; minus strand). Cytogenetic location: 12q21.32.
Variant type: single nucleotide variant.
Coding change: c.6146T>C on transcript NM_025114.4 (MANE Select); coding-DNA position 6146, T replaced by C.
Protein change: p.Ile2049Thr; replaces isoleucine 2049 with threonine.
Molecular consequence: missense variant.
Genome position (GRCh38, 1-based): chr12:88,064,105, A>G on the plus strand (T>C on the coding strand, the complement: CEP290 is on the minus strand). VCF-style: chr12-88064105-A-G. GRCh37 (hg19) VCF-style: chr12-88457882-A-G.
Other names: short protein forms I2049T.
Identifiers: ClinVar variation 3347635 (VCV003347635.3).
Genomic context (GRCh38, chr12:88,064,105, plus strand): 5'-GACAACTTCAAGTTTTCCTTCTGAAGCTCCTGTTCTCTCTGACAATGATCATCTGACTCT[A>G]TTCCTGAAATCTTCAGGGAAATGAAATTAGGAATATTTTTAAAGTTTAATAAATAAAAGC-3'
Protein context (NP_079390.3, residues 2039-2059): DTYSKPSISG[Ile2049Thr]ESDDHCQREQ